The following is an entry in ClinVar:

ClinVar aggregate classification (germline): Uncertain significance (1 of 4 stars; one submission).

Conditions:
Hereditary cancer-predisposing syndrome. Also called: Hereditary Cancer Syndrome; Hereditary neoplastic syndrome; Neoplastic Syndromes, Hereditary; Tumor predisposition. Identifiers: Orphanet 140162, MedGen C0027672, MeSH D009386, MONDO:0015356.

Submission:

Ambry Genetics
Classification: Uncertain significance for Hereditary cancer-predisposing syndrome. Last evaluated: 2025-06-24. Review status: criteria provided, single submitter. Criteria: Ambry Variant Classification Scheme 2023. Collection method: clinical testing. Allele origin: germline.
Comment: The p.T3158R variant (also known as c.9473C>G), located in coding exon 24 of the BRCA2 gene, results from a C to G substitution at nucleotide position 9473. The threonine at codon 3158 is replaced by arginine, an amino acid with similar properties. This amino acid position is conserved. In addition, the in silico prediction for this alteration is inconclusive. Based on the available evidence, the clinical significance of this variant remains unclear.

NM_000059.4(BRCA2):c.9473C>G (p.Thr3158Arg)

Gene: BRCA2 (BRCA2 DNA repair associated; plus strand). Cytogenetic location: 13q13.1.
Variant type: single nucleotide variant.
Coding change: c.9473C>G on transcript NM_000059.4 (MANE Select); coding-DNA position 9473, C replaced by G.
Protein change: p.Thr3158Arg; replaces threonine 3158 with arginine.
Molecular consequence: missense variant. On other transcripts: non-coding transcript variant (1).
Genome position (GRCh38, 1-based): chr13:32,394,905, C>G. VCF-style: chr13-32394905-C-G. GRCh37 (hg19) VCF-style: chr13-32969042-C-G.
Other names: c.9377C>G, p.Thr3126Arg (NM_001406719.1); c.9422C>G, p.Thr3141Arg (NM_001406720.1); c.4541C>G, p.Thr1514Arg (NM_001406721.1); c.3056C>G, p.Thr1019Arg (NM_001406722.1); c.9473C>G, p.Thr3158Arg (NM_001432077.1); short protein forms T3141R, T3158R, T1019R, T1514R, T3126R.
Identifiers: ClinVar variation 4215817 (VCV004215817.1).